The following is an entry in ClinVar:

NM_005236.3(ERCC4):c.1492G>T (p.Val498Leu)

Gene: ERCC4 (ERCC excision repair 4, endonuclease catalytic subunit; plus strand). Cytogenetic location: 16p13.12.
Variant type: single nucleotide variant.
Coding change: c.1492G>T on transcript NM_005236.3 (MANE Select); coding-DNA position 1492, G replaced by T.
Protein change: p.Val498Leu; replaces valine 498 with leucine.
Molecular consequence: missense variant.
Genome position (GRCh38, 1-based): chr16:13,935,424, G>T. VCF-style: chr16-13935424-G-T. GRCh37 (hg19) VCF-style: chr16-14029281-G-T.
Other names: short protein forms V498L.
Identifiers: ClinVar variation 4794842 (VCV004794842.1).

ClinVar aggregate classification (germline): Uncertain significance (1 of 4 stars; one submission).

Conditions:
Cockayne syndrome. Identifiers: Orphanet 191, MedGen C0009207, MONDO:0016006.
Fanconi anemia complementation group Q. Identifiers: Orphanet 84, MedGen C3808988, MONDO:0014108, OMIM 615272.
Xeroderma pigmentosum, group F (XPF). Also called: XERODERMA PIGMENTOSUM VI; XP, GROUP F; XERODERMA PIGMENTOSUM, TYPE F; Xeroderma pigmentosum, type 6; ERCC4-Related Xeroderma Pigmentosum; XERODERMA PIGMENTOSUM, COMPLEMENTATION GROUP F. Identifiers: MedGen C0268140, MONDO:0010215, OMIM 278760.

gnomAD v4.1: 14 of 1,613,648 alleles (0.00087%); highest among the groups gnomAD compares: African/African-American, 0.019%; no homozygotes.

Submission:

Labcorp Genetics (formerly Invitae), Labcorp
Classification: Uncertain significance for Fanconi anemia complementation group Q; Xeroderma pigmentosum, group F; Cockayne syndrome. Last evaluated: 2025-09-04. Review status: criteria provided, single submitter. Criteria: Invitae Variant Classification Sherloc (09022015). Collection method: clinical testing. Allele origin: germline.
Comment: This sequence change replaces valine, which is neutral and non-polar, with leucine, which is neutral and non-polar, at codon 498 of the ERCC4 protein (p.Val498Leu). This variant is present in population databases (rs140252818, gnomAD 0.03%). This variant has not been reported in the literature in individuals affected with ERCC4-related conditions. Invitae Evidence Modeling of protein sequence and biophysical properties (such as structural, functional, and spatial information, amino acid conservation, physicochemical variation, residue mobility, and thermodynamic stability) indicates that this missense variant is not expected to disrupt ERCC4 protein function with a negative predictive value of 80%. In summary, the available evidence is currently insufficient to determine the role of this variant in disease. Therefore, it has been classified as a Variant of Uncertain Significance.